The following is an entry in ClinVar:

NM_001972.4(ELANE):c.711G>A (p.Gln237=)

Gene: ELANE (elastase, neutrophil expressed; plus strand). Cytogenetic location: 19p13.3.
Variant type: single nucleotide variant.
Coding change: c.711G>A on transcript NM_001972.4 (MANE Select); coding-DNA position 711, G replaced by A.
Protein change: p.Gln237=; no amino-acid change (glutamine 237 retained).
Molecular consequence: synonymous variant.
Genome position (GRCh38, 1-based): chr19:856,071, G>A. VCF-style: chr19-856071-G-A. GRCh37 (hg19) VCF-style: chr19-856071-G-A.
Other names: c.711G>A (NM_001972.2).
Identifiers: ClinVar variation 1085401 (VCV001085401.14), dbSNP rs201714374, ClinGen allele CA9026148.

ClinVar aggregate classification (germline): Likely benign. Review status: criteria provided, multiple submitters, no conflicts (2 of 4 stars). 4 submissions from 4 submitters: Likely benign (4). Last evaluated 2026-09-01.

Conditions:
Inborn genetic diseases. Identifiers: MedGen C0950123, MeSH D030342.
Cyclical neutropenia. Also called: Cyclic hematopoiesis; Cyclic Neutropenia. Identifiers: Orphanet 2686, MedGen C0221023, MONDO:0008090, OMIM 162800, HP:0040289. Disease mechanism: loss of function.
Neutropenia, severe congenital, 1, autosomal dominant. Identifiers: MedGen C1859966, MONDO:0042490, OMIM 202700.

Allele frequency attached by ClinVar (database versions not stated): ExAC 0.00001; gnomAD exomes 0.00001; gnomAD 0.00004 and 0.00005; TOPMed 0.00005; 1000 Genomes Project 30x 0.00016; 1000 Genomes Project 0.00020.
gnomAD v4.1: 15 of 1,612,562 alleles (0.00093%); highest among the groups gnomAD compares: African/African-American, 0.016%; no homozygotes.

Submissions (4):

CeGaT Center for Human Genetics Tuebingen
Classification: Likely benign. Last evaluated: 2026-09-01. Review status: criteria provided, single submitter. Criteria: CeGaT Center For Human Genetics Tuebingen Variant Classification Criteria Version 2. Collection method: clinical testing. Allele origin: germline. Affected: yes. Observed: 1 variant allele.
Comment: ELANE: BP4, BP7

Labcorp Genetics (formerly Invitae), Labcorp
Classification: Likely benign for Neutropenia, severe congenital, 1, autosomal dominant; Cyclical neutropenia. Last evaluated: 2025-09-02. Review status: criteria provided, single submitter. Criteria: Invitae Variant Classification Sherloc (09022015). Collection method: clinical testing. Allele origin: germline.

Women's Health and Genetics/Laboratory Corporation of America, LabCorp
Classification: Likely benign. Last evaluated: 2025-06-13. Review status: criteria provided, single submitter. Criteria: LabCorp Variant Classification Summary - May 2015. Collection method: clinical testing. Allele origin: germline.

Ambry Genetics
Classification: Likely benign for Inborn genetic diseases. Last evaluated: 2024-10-02. Review status: criteria provided, single submitter. Criteria: Ambry Variant Classification Scheme 2023. Collection method: clinical testing. Allele origin: germline.